The following is an entry in ClinVar:

NM_000383.4(AIRE):c.551T>C (p.Met184Thr)

Gene: AIRE (autoimmune regulator; plus strand). Cytogenetic location: 21q22.3.
Variant type: single nucleotide variant.
Coding change: c.551T>C on transcript NM_000383.4 (MANE Select); coding-DNA position 551, T replaced by C.
Protein change: p.Met184Thr; replaces methionine 184 with threonine.
Molecular consequence: missense variant.
Genome position (GRCh38, 1-based): chr21:44,288,357, T>C. VCF-style: chr21-44288357-T-C. GRCh37 (hg19) VCF-style: chr21-45708240-T-C.
Other names: short protein forms M184T.
Identifiers: ClinVar variation 2180206 (VCV002180206.2), dbSNP rs1601965676, ClinGen allele CA410424084.
Genomic context (GRCh38, chr21:44,288,357, plus strand): 5'-GGAACAGTCTTCCCCACGGGTGACCCCAATGGGTGTTCCCTTTCCCAGGGATTCAGACCA[T>C]GTCAGCTTCAGTCCAGAGAGCTGTGGCCATGTCCTCCGGGGACGTCCCGGGAGCCCGAGG-3'
Protein context (NP_000374.1, residues 174-194): RLPLGNGIQT[Met184Thr]SASVQRAVAM

ClinVar aggregate classification (germline): Uncertain significance. Review status: criteria provided, multiple submitters, no conflicts (2 of 4 stars). 2 submissions from 2 submitters: Uncertain significance (2). Last evaluated 2024-01-29.

Conditions:
Polyglandular autoimmune syndrome, type 1 (APS1). Also called: HYPOADRENOCORTICISM WITH HYPOPARATHYROIDISM AND SUPERFICIAL MONILIASIS; Autoimmune polyendocrine syndrome type 1; Autoimmune polyendocrinopathy syndrome, type I; Autoimmune polyendocrinopathy syndrome , type I, with or without reversible metaphyseal dysplasia; AUTOIMMUNE POLYENDOCRINE SYNDROME, TYPE I, WITH OR WITHOUT REVERSIBLE METAPHYSEAL DYSPLASIA; APS I. Identifiers: Orphanet 3453, MedGen C0085859, MONDO:0009411, OMIM 240300.

Submissions (2):

Revvity Omics, Revvity
Classification: Uncertain significance for Polyglandular autoimmune syndrome, type 1. Last evaluated: 2024-01-29. Review status: criteria provided, single submitter. Criteria: ACMG Guidelines, 2015. Collection method: clinical testing. Allele origin: germline.

Labcorp Genetics (formerly Invitae), Labcorp
Classification: Uncertain significance for Polyglandular autoimmune syndrome, type 1. Last evaluated: 2021-12-18. Review status: criteria provided, single submitter. Criteria: Invitae Variant Classification Sherloc (09022015). Collection method: clinical testing. Allele origin: germline.
Comment: This sequence change replaces methionine, which is neutral and non-polar, with threonine, which is neutral and polar, at codon 184 of the AIRE protein (p.Met184Thr). This variant is not present in population databases (gnomAD no frequency). This variant has not been reported in the literature in individuals affected with AIRE-related conditions. Algorithms developed to predict the effect of missense changes on protein structure and function are either unavailable or do not agree on the potential impact of this missense change (SIFT: "Deleterious"; PolyPhen-2: "Benign"; Align-GVGD: "Class C65"). In summary, the available evidence is currently insufficient to determine the role of this variant in disease. Therefore, it has been classified as a Variant of Uncertain Significance.